The following is an entry in ClinVar:

NM_032578.4(MYPN):c.1152G>T (p.Val384=)

Gene: MYPN (myopalladin; plus strand). Cytogenetic location: 10q21.3.
Variant type: single nucleotide variant.
Coding change: c.1152G>T on transcript NM_032578.4 (MANE Select); coding-DNA position 1152, G replaced by T.
Protein change: p.Val384=; no amino-acid change (valine 384 retained).
Molecular consequence: synonymous variant. On other transcripts: non-coding transcript variant (2).
Genome position (GRCh38, 1-based): chr10:68,148,374, G>T. VCF-style: chr10-68148374-G-T. GRCh37 (hg19) VCF-style: chr10-69908131-G-T.
Other names: c.1152G>T, p.Val384= (NM_001256267.2); c.270G>T, p.Val90= (NM_001256268.2); c.1152G>T (NM_032578.2).
Identifiers: ClinVar variation 1085072 (VCV001085072.10), dbSNP rs148936510, ClinGen allele CA5522461.

ClinVar aggregate classification (germline): Conflicting classifications of pathogenicity. Review status: criteria provided, conflicting classifications (1 of 4 stars). 2 submissions from 2 submitters: Uncertain significance (1); Likely benign (1). Last evaluated 2023-11-21.

Conditions:
Cardiovascular phenotype. Identifiers: MedGen CN230736.
Dilated cardiomyopathy 1KK (CMD1KK). Identifiers: Orphanet 154, Orphanet 75249, MedGen C3714995, MONDO:0014100, OMIM 615248.

Allele frequency attached by ClinVar (database versions not stated): TOPMed below 0.00001; gnomAD 0.00001; gnomAD exomes 0.00001; ExAC 0.00002; 1000 Genomes Project 30x 0.00016; 1000 Genomes Project 0.00020.
gnomAD v4.1: 25 of 1,613,988 alleles (0.0015%); highest among the groups gnomAD compares: East Asian, 0.056%; no homozygotes.

Submissions (2):

Ambry Genetics
Classification: Uncertain significance for Cardiovascular phenotype. Last evaluated: 2023-11-21. Review status: criteria provided, single submitter. Criteria: Ambry Variant Classification Scheme 2023. Collection method: clinical testing. Allele origin: germline.
Comment: The c.1152G>T variant (also known as p.V384V), located in coding exon 4 of the MYPN gene, results from a G to T substitution at nucleotide position 1152. This nucleotide substitution does not change the valine at codon 384. This nucleotide position is well conserved in available vertebrate species. In silico splice site analysis for this alteration is inconclusive. Since supporting evidence is limited at this time, the clinical significance of this alteration remains unclear.

Labcorp Genetics (formerly Invitae), Labcorp
Classification: Likely benign for Dilated cardiomyopathy 1KK. Last evaluated: 2020-02-17. Review status: criteria provided, single submitter. Criteria: Invitae Variant Classification Sherloc (09022015). Collection method: clinical testing. Allele origin: germline.